The following is an entry in ClinVar:

NM_032228.6(FAR1):c.809A>G (p.Asn270Ser)

Gene: FAR1 (fatty acyl-CoA reductase 1; plus strand). Cytogenetic location: 11p15.3.
Variant type: single nucleotide variant.
Coding change: c.809A>G on transcript NM_032228.6 (MANE Select); coding-DNA position 809, A replaced by G.
Protein change: p.Asn270Ser; replaces asparagine 270 with serine.
Molecular consequence: missense variant.
Genome position (GRCh38, 1-based): chr11:13,711,968, A>G. VCF-style: chr11-13711968-A-G. GRCh37 (hg19) VCF-style: chr11-13733515-A-G.
Other names: c.809A>G (NM_032228.5); short protein forms N270S.
Identifiers: ClinVar variation 1446714 (VCV001446714.8), dbSNP rs769224440, ClinGen allele CA5893395.

ClinVar aggregate classification (germline): Uncertain significance. Review status: criteria provided, multiple submitters, no conflicts (2 of 4 stars). 3 submissions from 3 submitters: Uncertain significance (3). Last evaluated 2026-01-12.

Conditions:
Inborn genetic diseases. Identifiers: MedGen C0950123, MeSH D030342.

Allele frequency attached by ClinVar (database versions not stated): gnomAD 0.00006 and 0.00007; gnomAD exomes 0.00009 and 0.00020; TOPMed 0.00011; ExAC 0.00016.

Submissions (3):

Labcorp Genetics (formerly Invitae), Labcorp
Classification: Uncertain significance. Last evaluated: 2026-01-12. Review status: criteria provided, single submitter. Criteria: Invitae Variant Classification Sherloc (09022015). Collection method: clinical testing. Allele origin: germline.
Comment: This sequence change replaces asparagine, which is neutral and polar, with serine, which is neutral and polar, at codon 270 of the FAR1 protein (p.Asn270Ser). This variant is present in population databases (rs769224440, gnomAD 0.1%). This variant has not been reported in the literature in individuals affected with FAR1-related conditions. ClinVar contains an entry for this variant (Variation ID: 1446714). Invitae Evidence Modeling of protein sequence and biophysical properties (such as structural, functional, and spatial information, amino acid conservation, physicochemical variation, residue mobility, and thermodynamic stability) indicates that this missense variant is not expected to disrupt FAR1 protein function with a negative predictive value of 80%. In summary, the available evidence is currently insufficient to determine the role of this variant in disease. Therefore, it has been classified as a Variant of Uncertain Significance.

Ambry Genetics
Classification: Uncertain significance for Inborn genetic diseases. Last evaluated: 2022-01-26. Review status: criteria provided, single submitter. Criteria: Ambry Variant Classification Scheme 2023. Collection method: clinical testing. Allele origin: germline.

Breakthrough Genomics
Classification: Uncertain significance. Review status: criteria provided, single submitter. Criteria: ACMG Guidelines, 2015. Collection method: not provided. Allele origin: germline. Inheritance: Autosomal recessive inheritance. Affected: yes.